The following is an entry in ClinVar:

NM_000975.5(RPL11):c.107del (p.Ala36fs)

Gene: RPL11 (ribosomal protein L11; plus strand). Cytogenetic location: 1p36.11.
Variant type: Deletion.
Coding change: c.107del on transcript NM_000975.5 (MANE Select); coding-DNA position 107, one base deleted (C; older notation c.107delC).
Protein change: p.Ala36fs; shifts the reading frame from alanine 36.
Molecular consequence: frameshift variant.
Genome position (GRCh38, 1-based): chr1:23,692,709, C deleted. VCF-style (leftmost placement, unchanged base first): chr1-23692708-GC-G. GRCh37 (hg19) VCF-style: chr1-24019198-GC-G.
Other names: c.104del, p.Ala35fs (NM_001199802.1); short protein forms A35fs, A36fs.
Identifiers: ClinVar variation 1074653 (VCV001074653.7), dbSNP rs2124429127, ClinGen allele CA2499214585.

ClinVar aggregate classification (germline): Pathogenic (1 of 4 stars; one submission).

Conditions:
Diamond-Blackfan anemia. Also called: Aase syndrome; Blackfan Diamond syndrome; Aregenerative anemia chronic congenital; Red cell aplasia, pure hereditary; Congenital hypoplastic anemia. Identifiers: Orphanet 124, MedGen C1260899, MeSH D029503, MONDO:0015253, HP:0004810.

Submission:

Labcorp Genetics (formerly Invitae), Labcorp
Classification: Pathogenic for Diamond-Blackfan anemia. Last evaluated: 2020-10-23. Review status: criteria provided, single submitter. Criteria: Invitae Variant Classification Sherloc (09022015). Collection method: clinical testing. Allele origin: germline.
Comment: This variant has not been reported in the literature in individuals with RPL11-related conditions. For these reasons, this variant has been classified as Pathogenic. This variant is not present in population databases (ExAC no frequency). This sequence change creates a premature translational stop signal (p.Ala36Glufs*52) in the RPL11 gene. It is expected to result in an absent or disrupted protein product. Loss-of-function variants in RPL11 are known to be pathogenic (PMID: 19061985, 19773262).

Literature cited by the submitters: PubMed 19061985; PubMed 19773262.